The following is an entry in ClinVar:

ClinVar aggregate classification (germline): Pathogenic/Likely pathogenic. Review status: criteria provided, multiple submitters, no conflicts (2 of 4 stars). 2 submissions from 2 submitters: Pathogenic (1); Likely pathogenic (1). Last evaluated 2026-01-26.

Conditions:
CEP290-related ciliopathy. Also called: CEP290 ciliopathy. Identifiers: MedGen CN305601, MONDO:0100451.
Bardet-Biedl syndrome 14 (BBS14). Identifiers: Orphanet 110, MedGen C2673874, MONDO:0014442, OMIM 615991.

Submissions (2):

Myriad Genetics, Inc.
Classification: Pathogenic for CEP290-related ciliopathy. Last evaluated: 2026-01-26. Review status: criteria provided, single submitter. Criteria: Myriad Autosomal Dominant, Autosomal Recessive and X-Linked Classification Criteria (2023). Collection method: clinical testing. Allele origin: unknown.
Comment: NM_025114.3(CEP290):c.2999delA(N1000Tfs*4) is expected to be pathogenic in the context of CEP290-related disorders. This variant is predicted to lead to an abnormal or absent protein product due to the creation of a premature termination codon in CEP290, a gene where loss-of-function variants are known to be pathogenic. Please note: this variant was assessed in the context of healthy population screening.

Baylor Genetics
Classification: Likely pathogenic for Bardet-Biedl syndrome 14. Last evaluated: 2023-11-14. Review status: criteria provided, single submitter. Criteria: ACMG Guidelines, 2015. Collection method: clinical testing. Allele origin: unknown.

NM_025114.4(CEP290):c.2999del (p.Asn1000fs)

Gene: CEP290 (centrosomal protein 290; minus strand). Cytogenetic location: 12q21.32.
Variant type: Deletion.
Coding change: c.2999del on transcript NM_025114.4 (MANE Select); coding-DNA position 2999, one base deleted (A; older notation c.2999delA).
Protein change: p.Asn1000fs; shifts the reading frame from asparagine 1000.
Molecular consequence: frameshift variant.
Genome position (GRCh38, 1-based): chr12:88,096,992, T deleted on the plus strand (A on the coding strand, the reverse complement: CEP290 is on the minus strand); the first of 4 consecutive T bases (chr12:88,096,992-88,096,995); deleting any one gives the same sequence. VCF-style (leftmost placement, unchanged base first): chr12-88096991-GT-G. GRCh37 (hg19) VCF-style: chr12-88490768-GT-G.
Other names: short protein forms N1000fs.
Identifiers: ClinVar variation 3241127 (VCV003241127.2), dbSNP rs2500377103.